The following is an entry in ClinVar:

ClinVar aggregate classification (germline): Conflicting classifications of pathogenicity. Review status: criteria provided, conflicting classifications (1 of 4 stars). 2 submissions from 2 submitters: Uncertain significance (1); Likely benign (1). Last evaluated 2024-01-28.

Conditions:
Primary dilated cardiomyopathy (DCM). Also called: Dilated Cardiomyopathy. Identifiers: Orphanet 217604, MedGen C0007193, MeSH D002311, MONDO:0005021, HP:0001644. Inheritance: Various modes of inheritance.
Cardiovascular phenotype. Identifiers: MedGen CN230736.

gnomAD v4.1: 41 of 1,613,394 alleles (0.0025%); highest among the groups gnomAD compares: African/African-American, 0.0093%; no homozygotes.

Submissions (2):

Labcorp Genetics (formerly Invitae), Labcorp
Classification: Likely benign for Primary dilated cardiomyopathy. Last evaluated: 2024-01-28. Review status: criteria provided, single submitter. Criteria: Invitae Variant Classification Sherloc (09022015). Collection method: clinical testing. Allele origin: germline.

Ambry Genetics
Classification: Uncertain significance for Cardiovascular phenotype. Last evaluated: 2022-10-01. Review status: criteria provided, single submitter. Criteria: Ambry Variant Classification Scheme 2023. Collection method: clinical testing. Allele origin: germline.
Comment: The c.1407C>T variant (also known as p.N469N), located in coding exon 16 of the TXNRD2 gene, results from a C to T substitution at nucleotide position 1407. This nucleotide substitution does not change the asparagine at codon 469. This nucleotide position is poorly conserved in available vertebrate species. In silico splice site analysis for this alteration is inconclusive. Since supporting evidence is limited at this time, the clinical significance of this alteration remains unclear.

NM_006440.5(TXNRD2):c.1407C>T (p.Asn469=)

Gene: TXNRD2 (thioredoxin reductase 2; minus strand). Cytogenetic location: 22q11.21.
Variant type: single nucleotide variant.
Coding change: c.1407C>T on transcript NM_006440.5 (MANE Select); coding-DNA position 1407, C replaced by T.
Protein change: p.Asn469=; no amino-acid change (asparagine 469 retained).
Molecular consequence: synonymous variant. On other transcripts: non-coding transcript variant (1).
Genome position (GRCh38, 1-based): chr22:19,878,128, G>A on the plus strand (C>T on the coding strand, the complement: TXNRD2 is on the minus strand). VCF-style: chr22-19878128-G-A. GRCh37 (hg19) VCF-style: chr22-19865651-G-A.
Other names: c.1404C>T, p.Asn468= (NM_001352300.2); c.1317C>T, p.Asn439= (NM_001352301.2); c.1119C>T, p.Asn373= (NM_001352302.2).
Identifiers: ClinVar variation 1127150 (VCV001127150.11), dbSNP rs200063300, ClinGen allele CA10103668.